The following is an entry in ClinVar:

ClinVar aggregate classification (germline): Likely benign. Review status: criteria provided, multiple submitters, no conflicts (2 of 4 stars). 2 submissions from 2 submitters: Likely benign (2). Last evaluated 2024-06-21.

Conditions:
Hereditary cancer-predisposing syndrome. Also called: Tumor predisposition; Neoplastic Syndromes, Hereditary; Hereditary neoplastic syndrome; Hereditary Cancer Syndrome. Identifiers: Orphanet 140162, MedGen C0027672, MeSH D009386, MONDO:0015356.
Familial cancer of breast. Also called: Hereditary breast cancer; hereditary breast carcinoma; BREAST CANCER, FAMILIAL. Identifiers: Orphanet 227535, MedGen C0346153, MONDO:0016419, OMIM 114480. Disease mechanism: loss of function.

Submissions (2):

Myriad Genetics, Inc.
Classification: Likely benign for Familial cancer of breast. Last evaluated: 2024-06-21. Review status: criteria provided, single submitter. Criteria: Myriad Autosomal Dominant, Autosomal Recessive and X-Linked Classification Criteria (2023). Collection method: clinical testing. Allele origin: unknown.
Comment: This variant is considered likely benign. This variant is intronic and is not expected to impact mRNA splicing.

Color Diagnostics, LLC DBA Color Health
Classification: Likely benign for Hereditary cancer-predisposing syndrome. Last evaluated: 2019-08-22. Review status: criteria provided, single submitter. Criteria: ACMG Guidelines, 2015. Collection method: clinical testing. Allele origin: germline.

NM_000051.4(ATM):c.8850+8del

Genes: ATM (ATM serine/threonine kinase; plus strand), C11orf65 (chromosome 11 open reading frame 65; minus strand). Cytogenetic location: 11q22.3.
Variant type: Deletion.
Coding change: c.8850+8del on transcript NM_000051.4 (MANE Select); 8 bases into the intron after coding-DNA position 8850, one base deleted (A; older notation c.8850+8delA).
Molecular consequence: intron variant.
Genome position (GRCh38, 1-based): chr11:108,354,882, A deleted. VCF-style (leftmost placement, unchanged base first): chr11-108354881-TA-T. GRCh37 (hg19) VCF-style: chr11-108225608-TA-T.
Other names: c.8850+8del (NM_001351834.2); c.640+31038del (NM_001330368.2); c.695-19590del (NM_001351110.2).
Identifiers: ClinVar variation 925077 (VCV000925077.5), dbSNP rs2089705961, ClinGen allele CA1139662283.